The following is an entry in ClinVar:

ClinVar aggregate classification (germline): Uncertain significance (1 of 4 stars; one submission).

Allele frequency attached by ClinVar (database versions not stated): gnomAD exomes below 0.00001.
gnomAD v4.1: 2 of 1,614,072 alleles (0.00012%); highest among the groups gnomAD compares: Non-Finnish European, 0.00017%; no homozygotes.

Submission:

Labcorp Genetics (formerly Invitae), Labcorp
Classification: Uncertain significance. Last evaluated: 2022-09-18. Review status: criteria provided, single submitter. Criteria: Invitae Variant Classification Sherloc (09022015). Collection method: clinical testing. Allele origin: germline.
Comment: In summary, the available evidence is currently insufficient to determine the role of this variant in disease. Therefore, it has been classified as a Variant of Uncertain Significance. Advanced modeling of protein sequence and biophysical properties (such as structural, functional, and spatial information, amino acid conservation, physicochemical variation, residue mobility, and thermodynamic stability) performed at Invitae indicates that this missense variant is not expected to disrupt INTU protein function. This variant has not been reported in the literature in individuals affected with INTU-related conditions. This variant is not present in population databases (gnomAD no frequency). This sequence change replaces proline, which is neutral and non-polar, with serine, which is neutral and polar, at codon 690 of the INTU protein (p.Pro690Ser).

NM_015693.4(INTU):c.2068C>T (p.Pro690Ser)

Gene: INTU (inturned planar cell polarity protein; plus strand). Cytogenetic location: 4q28.1.
Variant type: single nucleotide variant.
Coding change: c.2068C>T on transcript NM_015693.4 (MANE Select); coding-DNA position 2068, C replaced by T.
Protein change: p.Pro690Ser; replaces proline 690 with serine.
Molecular consequence: missense variant.
Genome position (GRCh38, 1-based): chr4:127,706,766, C>T. VCF-style: chr4-127706766-C-T. GRCh37 (hg19) VCF-style: chr4-128627921-C-T.
Other names: short protein forms P690S.
Identifiers: ClinVar variation 1719726 (VCV001719726.6), dbSNP rs2531029753, ClinGen allele CA358138270.